The following is an entry in ClinVar:

NC_000006.11:g.(?_31927767)_(31937492_?)del

Gene: SKIC2 (SKI2 subunit of superkiller complex; plus strand). Cytogenetic location: 6p21.33.
Variant type: Deletion.
Identifiers: ClinVar variation 3246212 (VCV003246212.1).

ClinVar aggregate classification (germline): Uncertain significance (1 of 4 stars; one submission).

Submission:

Labcorp Genetics (formerly Invitae), Labcorp
Classification: Uncertain significance. Last evaluated: 2023-11-07. Review status: criteria provided, single submitter. Criteria: Invitae Variant Classification Sherloc (09022015). Collection method: clinical testing. Allele origin: unknown.
Comment: This variant is a gross deletion of the genomic region encompassing exon(s) 3-28 of the SKIV2L gene, which includes the termination codon. This deletion extends beyond the assayed region for this gene and therefore may encompass additional genes. While this deletion is not anticipated to lead to nonsense mediated decay, it is expected to alter mRNA translation or result in a truncated protein product. This variant has not been reported in the literature in individuals affected with SKIV2L-related conditions. Experimental studies and prediction algorithms are not available or were not evaluated, and the functional significance of this variant is currently unknown. In summary, the available evidence is currently insufficient to determine the role of this variant in disease. Therefore, it has been classified as a Variant of Uncertain Significance.